The following is an entry in ClinVar:

NM_002137.4(HNRNPA2B1):c.7-93C>T

Gene: HNRNPA2B1 (heterogeneous nuclear ribonucleoprotein A2/B1; minus strand). Cytogenetic location: 7p15.2.
Variant type: single nucleotide variant.
Coding change: c.7-93C>T on transcript NM_002137.4 (MANE Select); 93 bases into the intron before coding-DNA position 7, C replaced by T.
Molecular consequence: intron variant.
Genome position (GRCh38, 1-based): chr7:26,197,825, G>A on the plus strand (C>T on the coding strand, the complement: HNRNPA2B1 is on the minus strand). VCF-style: chr7-26197825-G-A. GRCh37 (hg19) VCF-style: chr7-26237445-G-A.
Other names: c.7-93C>T (NM_001438578.1, NM_001438576.1, NM_001438575.1 and 4 more transcripts); c.42+6C>T (NM_001438574.1, NM_001438573.1, NM_001438568.1 and 3 more transcripts).
Identifiers: ClinVar variation 1394313 (VCV001394313.6), dbSNP rs1204225273, ClinGen allele CA573402625.

ClinVar aggregate classification (germline): Uncertain significance (1 of 4 stars; one submission).

Conditions:
Inclusion body myopathy with early-onset Paget disease with or without frontotemporal dementia 2 (IBMPFD2). Also called: MULTISYSTEM PROTEINOPATHY 2. Identifiers: MedGen C3809468, MONDO:0014178, OMIM 615422.

Allele frequency attached by ClinVar (database versions not stated): TOPMed below 0.00001; gnomAD exomes 0.00001.
gnomAD v4.1: 8 of 1,605,536 alleles (0.0005%); highest among the groups gnomAD compares: South Asian, 0.0045%; 1 homozygote.

Submission:

Labcorp Genetics (formerly Invitae), Labcorp
Classification: Uncertain significance for Inclusion body myopathy with early-onset Paget disease with or without frontotemporal dementia 2. Last evaluated: 2025-06-20. Review status: criteria provided, single submitter. Criteria: Invitae Variant Classification Sherloc (09022015). Collection method: clinical testing. Allele origin: germline.
Comment: This sequence change falls in intron 2 of the HNRNPA2B1 gene. It does not directly change the encoded amino acid sequence of the HNRNPA2B1 protein. It affects a nucleotide within the consensus splice site. This variant is present in population databases (no rsID available, gnomAD 0.006%). This variant has not been reported in the literature in individuals affected with HNRNPA2B1-related conditions. ClinVar contains an entry for this variant (Variation ID: 1394313). Variants that disrupt the consensus splice site are a relatively common cause of aberrant splicing (PMID: 17576681, 9536098). Algorithms developed to predict the effect of sequence changes on RNA splicing suggest that this variant is not likely to affect RNA splicing. In summary, the available evidence is currently insufficient to determine the role of this variant in disease. Therefore, it has been classified as a Variant of Uncertain Significance.

Literature cited by the submitters: PubMed 17576681; PubMed 9536098.